The following is an entry in ClinVar:

ClinVar aggregate classification (germline): Conflicting classifications of pathogenicity. Review status: criteria provided, conflicting classifications (1 of 4 stars). 5 submissions from 5 submitters: Uncertain significance (3); Likely benign (2). Last evaluated 2026-01-26.

Conditions:
Cardiovascular phenotype. Identifiers: MedGen CN230736.
Dilated cardiomyopathy 1DD (CMD1DD). Identifiers: Orphanet 154, MedGen C2750995, MONDO:0013168, OMIM 613172.

Allele frequency attached by ClinVar (database versions not stated): ExAC 0.00005; gnomAD exomes 0.00007; TOPMed 0.00012; gnomAD 0.00013 and 0.00014; 1000 Genomes Project 30x 0.00016.
gnomAD v4.1: 202 of 1,551,816 alleles (0.013%); highest among the groups gnomAD compares: Non-Finnish European, 0.017%; no homozygotes.

Submissions (5):

Labcorp Genetics (formerly Invitae), Labcorp
Classification: Likely benign for Dilated cardiomyopathy 1DD. Last evaluated: 2026-01-26. Review status: criteria provided, single submitter. Criteria: Invitae Variant Classification Sherloc (09022015). Collection method: clinical testing. Allele origin: germline.

Ambry Genetics
Classification: Uncertain significance for Cardiovascular phenotype. Last evaluated: 2024-08-28. Review status: criteria provided, single submitter. Criteria: Ambry Variant Classification Scheme 2023. Collection method: clinical testing. Allele origin: germline.
Comment: The p.V545I variant (also known as c.1633G>A), located in coding exon 6 of the RBM20 gene, results from a G to A substitution at nucleotide position 1633. The valine at codon 545 is replaced by isoleucine, an amino acid with highly similar properties. This alteration has been reported in cardiomyopathy cohorts; however, clinical details were limited (Lopes LR et al. J Med Genet, 2013 Apr;50:228-39; Pugh TJ et al. Genet Med, 2014 Aug;16:601-8). This amino acid position is highly conserved in available vertebrate species. In addition, the in silico prediction for this alteration is inconclusive. Since supporting evidence is limited at this time, the clinical significance of this alteration remains unclear.

GeneDx
Classification: Uncertain significance. Last evaluated: 2024-08-08. Review status: criteria provided, single submitter. Criteria: GeneDx Variant Classification Process June 2021. Collection method: clinical testing. Allele origin: germline. Affected: yes.
Comment: Has been reported in individuals with cardiomyopathy who also harbored variants in other genes (PMID: 23396983, 24503780, 37652022); In silico analysis indicates that this missense variant does not alter protein structure/function; Functional studies in cardiomyocytes suggest that this variant has a wild-type nuclear localization, and does not affect splicing (PMID: 32840935); This variant is associated with the following publications: (PMID: 23396983, 25351510, 24503780, 32840935, 37652022)

Illumina Laboratory Services, Illumina
Classification: Uncertain significance for Dilated cardiomyopathy 1DD. Last evaluated: 2018-01-13. Review status: criteria provided, single submitter. Criteria: ICSL Variant Classification Criteria 13 December 2019. Collection method: clinical testing. Allele origin: germline.

Laboratory for Molecular Medicine, Mass General Brigham Personalized Medicine
Classification: Likely benign. Last evaluated: 2012-06-01. Review status: criteria provided, single submitter. Criteria: LMM Criteria. Collection method: clinical testing. Allele origin: germline. Observed: 1 variant allele.

Literature cited by the submitters: PubMed 23396983 (cited by Ambry Genetics); PubMed 24503780 (cited by Ambry Genetics); PubMed 20590677 (cited by Laboratory for Molecular Medicine, Mass General Brigham Personalized Medicine); PubMed 19712804 (cited by Laboratory for Molecular Medicine, Mass General Brigham Personalized Medicine).

NM_001134363.3(RBM20):c.1633G>A (p.Val545Ile)

Gene: RBM20 (RNA binding motif protein 20; plus strand). Cytogenetic location: 10q25.2.
Variant type: single nucleotide variant.
Coding change: c.1633G>A on transcript NM_001134363.3 (MANE Select); coding-DNA position 1633, G replaced by A.
Protein change: p.Val545Ile; replaces valine 545 with isoleucine.
Molecular consequence: missense variant.
Genome position (GRCh38, 1-based): chr10:110,797,613, G>A. VCF-style: chr10-110797613-G-A. GRCh37 (hg19) VCF-style: chr10-112557371-G-A.
Other names: p.V545I:GTC>ATC; short protein forms V545I.
Identifiers: ClinVar variation 43976 (VCV000043976.32), dbSNP rs397516596, ClinGen allele CA133280.